The following is an entry in ClinVar:

ClinVar aggregate classification (germline): Uncertain significance. Review status: criteria provided, multiple submitters, no conflicts (2 of 4 stars). 2 submissions from 2 submitters: Uncertain significance (2). Last evaluated 2025-05-06.

Allele frequency attached by ClinVar (database versions not stated): ExAC 0.00002; ESP Exome Variant Server 0.00008; gnomAD 0.00005; gnomAD exomes 0.00008; TOPMed 0.00005.
gnomAD v4.1: 121 of 1,609,970 alleles (0.0075%); highest among the groups gnomAD compares: Non-Finnish European, 0.0097%; no homozygotes.

Submissions (2):

Labcorp Genetics (formerly Invitae), Labcorp
Classification: Uncertain significance. Last evaluated: 2025-05-06. Review status: criteria provided, single submitter. Criteria: Invitae Variant Classification Sherloc (09022015). Collection method: clinical testing. Allele origin: germline.
Comment: This sequence change replaces tyrosine, which is neutral and polar, with cysteine, which is neutral and slightly polar, at codon 477 of the SUCO protein (p.Tyr477Cys). This variant is present in population databases (rs147988148, gnomAD 0.003%). This variant has not been reported in the literature in individuals affected with SUCO-related conditions. ClinVar contains an entry for this variant (Variation ID: 2890712). An algorithm developed to predict the effect of missense changes on protein structure and function (PolyPhen-2) suggests that this variant is likely to be disruptive. In summary, the available evidence is currently insufficient to determine the role of this variant in disease. Therefore, it has been classified as a Variant of Uncertain Significance.

Ambry Genetics
Classification: Uncertain significance. Last evaluated: 2025-01-01. Review status: criteria provided, single submitter. Criteria: Ambry Variant Classification Scheme 2023. Collection method: clinical testing. Allele origin: germline.

NM_014283.5(SUCO):c.1430A>G (p.Tyr477Cys)

Gene: SUCO (SUN domain containing ossification factor; plus strand). Cytogenetic location: 1q24.3.
Variant type: single nucleotide variant.
Coding change: c.1430A>G on transcript NM_014283.5 (MANE Select); coding-DNA position 1430, A replaced by G.
Protein change: p.Tyr477Cys; replaces tyrosine 477 with cysteine.
Molecular consequence: missense variant. On other transcripts: 5 prime UTR variant (1).
Genome position (GRCh38, 1-based): chr1:172,578,387, A>G. VCF-style: chr1-172578387-A-G. GRCh37 (hg19) VCF-style: chr1-172547527-A-G.
Other names: c.1430A>G (NM_014283.3); c.1319A>G, p.Tyr440Cys (NM_001282750.2); c.-100A>G (NM_001282751.2); c.1883A>G, p.Tyr628Cys (NM_016227.4); short protein forms Y477C, Y440C, Y628C.
Identifiers: ClinVar variation 2890712 (VCV002890712.4), dbSNP rs147988148, ClinGen allele CA1246861.
Genomic context (GRCh38, chr1:172,578,387, plus strand): 5'-ATGAAGAAATTGCTGATTCCCAGTATCACTCAGAACGCCAGGAACTATTTGATGAGGACT[A>G]TGGTAAGTGACATCAAACAGATGACTGTTAGGTATATTTTTTTTACTTTTTAAAAATCGA-3'
Protein context (NP_055098.1, residues 467-487): SERQELFDED[Tyr477Cys]DYPLDYNTGE